The following is an entry in ClinVar:

ClinVar aggregate classification (germline): Uncertain significance (1 of 4 stars; one submission).

Conditions:
Cardiovascular phenotype. Identifiers: MedGen CN230736.

Allele frequency attached by ClinVar (database versions not stated): gnomAD exomes below 0.00001; 1000 Genomes Project 30x 0.00031.
gnomAD v4.1: 7 of 1,614,104 alleles (0.00043%); highest among the groups gnomAD compares: African/African-American, 0.0013%; no homozygotes.

Submission:

Ambry Genetics
Classification: Uncertain significance for Cardiovascular phenotype. Last evaluated: 2023-02-26. Review status: criteria provided, single submitter. Criteria: Ambry Variant Classification Scheme 2023. Collection method: clinical testing. Allele origin: germline.
Comment: The p.T85I variant (also known as c.254C>T), located in coding exon 3 of the LPL gene, results from a C to T substitution at nucleotide position 254. The threonine at codon 85 is replaced by isoleucine, an amino acid with similar properties. This amino acid position is conserved. In addition, this alteration is predicted to be deleterious by in silico analysis. Since supporting evidence is limited at this time, the clinical significance of this alteration remains unclear.

NM_000237.3(LPL):c.254C>T (p.Thr85Ile)

Gene: LPL (lipoprotein lipase; plus strand). Cytogenetic location: 8p21.3.
Variant type: single nucleotide variant.
Coding change: c.254C>T on transcript NM_000237.3 (MANE Select); coding-DNA position 254, C replaced by T.
Protein change: p.Thr85Ile; replaces threonine 85 with isoleucine.
Molecular consequence: missense variant.
Genome position (GRCh38, 1-based): chr8:19,951,773, C>T. VCF-style: chr8-19951773-C-T. GRCh37 (hg19) VCF-style: chr8-19809284-C-T.
Other names: short protein forms T85I.
Identifiers: ClinVar variation 2454162 (VCV002454162.2), dbSNP rs182593459, ClinGen allele CA4655368.